The following is an entry in ClinVar:

NM_000179.3(MSH6):c.39G>T (p.Lys13Asn)

Gene: MSH6 (mutS homolog 6; plus strand). Cytogenetic location: 2p16.3.
Variant type: single nucleotide variant.
Coding change: c.39G>T on transcript NM_000179.3 (MANE Select); coding-DNA position 39, G replaced by T.
Protein change: p.Lys13Asn; replaces lysine 13 with asparagine.
Molecular consequence: missense variant. On other transcripts: 5 prime UTR variant (1).
Genome position (GRCh38, 1-based): chr2:47,783,272, G>T. VCF-style: chr2-47783272-G-T. GRCh37 (hg19) VCF-style: chr2-48010411-G-T.
Other names: c.39G>T, p.Lys13Asn (NM_001281492.2, NM_001406795.1, NM_001406796.1 and 9 more transcripts); c.-698G>T (NM_001281493.2, NM_001406811.1); c.-290G>T (NM_001406799.1); c.-17G>T (NM_001406804.1); c.-890G>T (NM_001406807.1); c.-545G>T (NM_001406812.1); c.-956G>T (NM_001406814.1); c.-501G>T (NM_001406816.1); short protein forms K13N.
Identifiers: ClinVar variation 1736886 (VCV001736886.3), dbSNP rs1668112040, ClinGen allele CA346734530.

ClinVar aggregate classification (germline): Uncertain significance (1 of 4 stars; one submission).

Conditions:
Hereditary cancer-predisposing syndrome. Also called: Neoplastic Syndromes, Hereditary; Tumor predisposition; Hereditary Cancer Syndrome; Hereditary neoplastic syndrome. Identifiers: Orphanet 140162, MedGen C0027672, MeSH D009386, MONDO:0015356.

Submission:

Ambry Genetics
Classification: Uncertain significance for Hereditary cancer-predisposing syndrome. Last evaluated: 2025-10-23. Review status: criteria provided, single submitter. Criteria: Ambry Variant Classification Scheme 2023. Collection method: clinical testing. Allele origin: germline.
Comment: The p.K13N variant (also known as c.39G>T), located in coding exon 1 of the MSH6 gene, results from a G to T substitution at nucleotide position 39. The lysine at codon 13 is replaced by asparagine, an amino acid with similar properties. This amino acid position is highly conserved in available vertebrate species. In addition, this alteration is predicted to be tolerated by in silico analysis. In addition, the CoDP in silico tool predicts this alteration to have a minor impact on molecular function, with a score of 0.001 (Terui H et al. J. Biomed. Sci. 2013 Apr;20:25). Since supporting evidence is limited at this time, the clinical significance of this alteration remains unclear.